The following is an entry in ClinVar:

ClinVar aggregate classification (germline): Uncertain significance (1 of 4 stars; one submission).

Conditions:
Epilepsy, familial focal, with variable foci 3 (FFEVF3). Identifiers: MedGen C4310708, MONDO:0014925, OMIM 617118.

Submission:

Labcorp Genetics (formerly Invitae), Labcorp
Classification: Uncertain significance for Epilepsy, familial focal, with variable foci 3. Last evaluated: 2023-06-27. Review status: criteria provided, single submitter. Criteria: Invitae Variant Classification Sherloc (09022015). Collection method: clinical testing. Allele origin: germline.
Comment: This sequence change falls in intron 5 of the NPRL3 gene. It does not directly change the encoded amino acid sequence of the NPRL3 protein. It affects a nucleotide within the consensus splice site. This variant is not present in population databases (gnomAD no frequency). This variant has not been reported in the literature in individuals affected with NPRL3-related conditions. Variants that disrupt the consensus splice site are a relatively common cause of aberrant splicing (PMID: 17576681, 9536098). Algorithms developed to predict the effect of sequence changes on RNA splicing suggest that this variant may disrupt the consensus splice site. In summary, the available evidence is currently insufficient to determine the role of this variant in disease. Therefore, it has been classified as a Variant of Uncertain Significance.

Literature cited by the submitters: PubMed 17576681; PubMed 9536098.

NM_001077350.3(NPRL3):c.393+5G>A

Genes: HBA-LCR (alpha-globin locus control region; plus strand), NPRL3 (NPR3 like, GATOR1 complex subunit; minus strand). Cytogenetic location: 16p13.3.
Variant type: single nucleotide variant.
Coding change: c.393+5G>A on transcript NM_001077350.3 (MANE Select); 5 bases into the intron after coding-DNA position 393, G replaced by A.
Molecular consequence: intron variant.
Genome position (GRCh38, 1-based): chr16:117,296, C>T on the plus strand (G>A on the coding strand, the complement: NPRL3 is on the minus strand). VCF-style: chr16-117296-C-T. GRCh37 (hg19) VCF-style: chr16-167295-C-T.
Other names: c.159+5G>A (NM_001243247.2); c.318+1830G>A (NM_001243248.2, NM_001243249.2); c.-144-4521G>A (NM_001039476.3).
Identifiers: ClinVar variation 2729744 (VCV002729744.3), dbSNP rs2542865300, ClinGen allele CA2697549458.